The following is an entry in ClinVar:

NM_000222.3(KIT):c.2117T>C (p.Leu706Pro)

Gene: KIT (KIT proto-oncogene, receptor tyrosine kinase; plus strand). Cytogenetic location: 4q12.
Variant type: single nucleotide variant.
Coding change: c.2117T>C on transcript NM_000222.3 (MANE Select); coding-DNA position 2117, T replaced by C.
Protein change: p.Leu706Pro; replaces leucine 706 with proline.
Molecular consequence: missense variant.
Genome position (GRCh38, 1-based): chr4:54,729,461, T>C. VCF-style: chr4-54729461-T-C. GRCh37 (hg19) VCF-style: chr4-55595627-T-C.
Other names: c.2105T>C, p.Leu702Pro (NM_001093772.2, NM_001385286.1); c.2120T>C, p.Leu707Pro (NM_001385284.1, NM_001385290.1); c.2117T>C, p.Leu706Pro (NM_001385285.1); c.2108T>C, p.Leu703Pro (NM_001385288.1, NM_001385292.1); short protein forms L702P, L706P, L707P, L703P.
Identifiers: ClinVar variation 3001742 (VCV003001742.3), dbSNP rs2109786958, ClinGen allele CA356909822.

ClinVar aggregate classification (germline): Uncertain significance (1 of 4 stars; one submission).

Conditions:
Gastrointestinal stromal tumor. Also called: Gastrointestinal stromal tumor, somatic; Gastrointestinal stroma tumor. Identifiers: Orphanet 44890, MedGen C0238198, MeSH D046152, MONDO:0011719, OMIM 606764, HP:0100723.

Submission:

Labcorp Genetics (formerly Invitae), Labcorp
Classification: Uncertain significance for Gastrointestinal stromal tumor. Last evaluated: 2025-12-01. Review status: criteria provided, single submitter. Criteria: Invitae Variant Classification Sherloc (09022015). Collection method: clinical testing. Allele origin: germline.
Comment: This sequence change replaces leucine, which is neutral and non-polar, with proline, which is neutral and non-polar, at codon 706 of the KIT protein (p.Leu706Pro). This variant is not present in population databases (gnomAD no frequency). This variant has not been reported in the literature in individuals affected with KIT-related conditions. ClinVar contains an entry for this variant (Variation ID: 3001742). An algorithm developed to predict the effect of missense changes on protein structure and function (PolyPhen-2) suggests that this variant is likely to be disruptive. In summary, the available evidence is currently insufficient to determine the role of this variant in disease. Therefore, it has been classified as a Variant of Uncertain Significance.